The following is an entry in ClinVar:

NM_000081.4(LYST):c.6019G>A (p.Glu2007Lys)

Gene: LYST (lysosomal trafficking regulator; minus strand). Cytogenetic location: 1q42.3.
Variant type: single nucleotide variant.
Coding change: c.6019G>A on transcript NM_000081.4 (MANE Select); coding-DNA position 6019, G replaced by A.
Protein change: p.Glu2007Lys; replaces glutamic acid 2007 with lysine.
Molecular consequence: missense variant.
Genome position (GRCh38, 1-based): chr1:235,766,181, C>T on the plus strand (G>A on the coding strand, the complement: LYST is on the minus strand). VCF-style: chr1-235766181-C-T. GRCh37 (hg19) VCF-style: chr1-235929481-C-T.
Other names: c.6019G>A, p.Glu2007Lys (NM_001301365.1); short protein forms E2007K.
Identifiers: ClinVar variation 1970614 (VCV001970614.2), dbSNP rs1455043439, ClinGen allele CA344947522.

ClinVar aggregate classification (germline): Uncertain significance (1 of 4 stars; one submission).

Conditions:
Chédiak-Higashi syndrome (CHS). Also called: Chediak-Higashi Syndrome. Identifiers: Orphanet 167, MedGen C0007965, MONDO:0008963, OMIM 214500.

Allele frequency attached by ClinVar (database versions not stated): gnomAD exomes below 0.00001; TOPMed below 0.00001; gnomAD 0.00001.
gnomAD v4.1: 2 of 1,613,094 alleles (0.00012%); highest among the groups gnomAD compares: East Asian, 0.0045%; no homozygotes.

Submission:

Labcorp Genetics (formerly Invitae), Labcorp
Classification: Uncertain significance for Chédiak-Higashi syndrome. Last evaluated: 2022-08-03. Review status: criteria provided, single submitter. Criteria: Invitae Variant Classification Sherloc (09022015). Collection method: clinical testing. Allele origin: germline.
Comment: This sequence change replaces glutamic acid, which is acidic and polar, with lysine, which is basic and polar, at codon 2007 of the LYST protein (p.Glu2007Lys). This variant is not present in population databases (gnomAD no frequency). This variant has not been reported in the literature in individuals affected with LYST-related conditions. Algorithms developed to predict the effect of missense changes on protein structure and function are either unavailable or do not agree on the potential impact of this missense change (SIFT: "Tolerated"; PolyPhen-2: "Probably Damaging"; Align-GVGD: "Class C0"). In summary, the available evidence is currently insufficient to determine the role of this variant in disease. Therefore, it has been classified as a Variant of Uncertain Significance.